The following is an entry in ClinVar:

ClinVar aggregate classification (germline): Pathogenic (1 of 4 stars; one submission).

Submission:

GeneDx
Classification: Pathogenic. Last evaluated: 2026-08-29. Review status: criteria provided, single submitter. Criteria: GeneDx Variant Classification Process June 2021. Collection method: clinical testing. Allele origin: germline.
Comment: Not observed at significant frequency in large population cohorts (gnomAD); In silico analysis supports that this missense variant has a deleterious effect on splicing; In silico analysis suggests that this missense variant does not alter protein structure/function; This variant is associated with the following publications: (PMID: 30459467, 30107592, 39104744, 32170002)

NM_003482.4(KMT2D):c.14381A>G (p.Lys4794Arg)

Gene: KMT2D (lysine methyltransferase 2D; minus strand). Cytogenetic location: 12q13.12.
Variant type: single nucleotide variant.
Coding change: c.14381A>G on transcript NM_003482.4 (MANE Select); coding-DNA position 14381, A replaced by G.
Protein change: p.Lys4794Arg; replaces lysine 4794 with arginine.
Molecular consequence: missense variant.
Genome position (GRCh38, 1-based): chr12:49,028,829, T>C on the plus strand (A>G on the coding strand, the complement: KMT2D is on the minus strand). VCF-style: chr12-49028829-T-C. GRCh37 (hg19) VCF-style: chr12-49422612-T-C.
Other names: short protein forms K4794R.
Identifiers: ClinVar variation 2578233 (VCV002578233.2), dbSNP rs2120386368, ClinGen allele CA384695679.